The following is an entry in ClinVar:

ClinVar aggregate classification (germline): Pathogenic (1 of 4 stars; one submission).

Conditions:
Aspartylglucosaminuria (AGU). Also called: AGA DEFICIENCY; GLYCOASPARAGINASE; GLYCOSYLASPARAGINASE DEFICIENCY; Aspartylglucos-aminuria; Aspartylglucos-amidase (AGA) deficiency. Identifiers: Orphanet 93, MedGen C0268225, MONDO:0008830, OMIM 208400, HP:0012068.

Submission:

Institute of Biochemistry, Faculty of Medicine, University of Giessen
Classification: Pathogenic for Aspartylglucosaminuria. Last evaluated: 2026-06-04. Review status: criteria provided, single submitter. Criteria: ACMG Guidelines, 2015. Collection method: research. Allele origin: unknown. Inheritance: Autosomal recessive inheritance. Affected: yes. Observed: 1 variant allele, 1 compound heterozygote.
Comment: The Q137* creates a premature stop codon. Overexpression studies in HEK293T confirmed the absence of protein expression and lack of enzyme activity. AGA activity in patient fibroblasts was very low.

Literature cited by the submitters: DOI 10.3389/fchem.2026.1860625.

NM_000027.4(AGA):c.409C>T (p.Gln137Ter)

Gene: AGA (aspartylglucosaminidase; minus strand). Cytogenetic location: 4q34.3.
Variant type: single nucleotide variant.
Coding change: c.409C>T on transcript NM_000027.4 (MANE Select); coding-DNA position 409, C replaced by T.
Protein change: p.Gln137Ter; replaces glutamine 137 with a stop codon.
Molecular consequence: nonsense. On other transcripts: non-coding transcript variant (1).
Genome position (GRCh38, 1-based): chr4:177,438,843, G>A on the plus strand (C>T on the coding strand, the complement: AGA is on the minus strand). VCF-style: chr4-177438843-G-A. GRCh37 (hg19) VCF-style: chr4-178359997-G-A.
Other names: c.409C>T, p.Gln137Ter (NM_001171988.2).
Identifiers: ClinVar variation 4856811 (VCV004856811.1).